The following is an entry in ClinVar:

ClinVar aggregate classification (germline): Uncertain significance. Review status: criteria provided, multiple submitters, no conflicts (2 of 4 stars). 3 submissions from 3 submitters: Uncertain significance (3). Last evaluated 2025-03-17.

Conditions:
Inborn genetic diseases. Identifiers: MedGen C0950123, MeSH D030342.

Allele frequency attached by ClinVar (database versions not stated): TOPMed 0.00001.
gnomAD v4.1: 3 of 1,613,860 alleles (0.00019%); highest among the groups gnomAD compares: African/African-American, 0.0013%; no homozygotes.

Submissions (3):

Ambry Genetics
Classification: Uncertain significance for Inborn genetic diseases. Last evaluated: 2025-03-17. Review status: criteria provided, single submitter. Criteria: Ambry Variant Classification Scheme 2023. Collection method: clinical testing. Allele origin: germline.

Blueprint Genetics
Classification: Uncertain significance. Last evaluated: 2023-12-21. Review status: criteria provided, single submitter. Criteria: ACMG Guidelines, 2015. Collection method: clinical testing. Allele origin: germline.

Labcorp Genetics (formerly Invitae), Labcorp
Classification: Uncertain significance. Last evaluated: 2022-07-11. Review status: criteria provided, single submitter. Criteria: Invitae Variant Classification Sherloc (09022015). Collection method: clinical testing. Allele origin: germline.
Comment: In summary, the available evidence is currently insufficient to determine the role of this variant in disease. Therefore, it has been classified as a Variant of Uncertain Significance. Algorithms developed to predict the effect of missense changes on protein structure and function (SIFT, PolyPhen-2, Align-GVGD) all suggest that this variant is likely to be disruptive. ClinVar contains an entry for this variant (Variation ID: 1036731). This variant has not been reported in the literature in individuals affected with KIAA1549-related conditions. This variant is not present in population databases (gnomAD no frequency). This sequence change replaces aspartic acid, which is acidic and polar, with tyrosine, which is neutral and polar, at codon 1367 of the KIAA1549 protein (p.Asp1367Tyr).

NM_001164665.2(KIAA1549):c.4099G>T (p.Asp1367Tyr)

Gene: KIAA1549 (KIAA1549; minus strand). Cytogenetic location: 7q34.
Variant type: single nucleotide variant.
Coding change: c.4099G>T on transcript NM_001164665.2 (MANE Select); coding-DNA position 4099, G replaced by T.
Protein change: p.Asp1367Tyr; replaces aspartic acid 1367 with tyrosine.
Molecular consequence: missense variant.
Genome position (GRCh38, 1-based): chr7:138,881,518, C>A on the plus strand (G>T on the coding strand, the complement: KIAA1549 is on the minus strand). VCF-style: chr7-138881518-C-A. GRCh37 (hg19) VCF-style: chr7-138566264-C-A.
Other names: c.4099G>T (NM_001164665.1); c.4099G>T, p.Asp1367Tyr (NM_020910.3); short protein forms D1367Y.
Identifiers: ClinVar variation 1036731 (VCV001036731.8), dbSNP rs765115844, ClinGen allele CA167143744.